The following is an entry in ClinVar:

NM_000091.5(COL4A3):c.2444dup (p.Ala816fs)

Genes: COL4A3 (collagen type IV alpha 3 chain; plus strand), MFF-DT (MFF divergent transcript; minus strand). Cytogenetic location: 2q36.3.
Variant type: Duplication.
Coding change: c.2444dup on transcript NM_000091.5 (MANE Select); coding-DNA position 2444, one base duplicated (G; older notation c.2444dupG).
Protein change: p.Ala816fs; shifts the reading frame from alanine 816.
Molecular consequence: frameshift variant.
Genome position (GRCh38, 1-based): chr2:227,280,962, G duplicated; the last of 4 consecutive G bases (chr2:227,280,959-227,280,962); duplicating any one gives the same sequence. VCF-style (leftmost placement, unchanged base first): chr2-227280958-A-AG. GRCh37 (hg19) VCF-style: chr2-228145674-A-AG.
Other names: short protein forms A816fs.
Identifiers: ClinVar variation 1725167 (VCV001725167.2), dbSNP rs2469759449, ClinGen allele CA2580065882.

ClinVar aggregate classification (germline): Likely pathogenic (1 of 4 stars; one submission).

Conditions:
Autosomal recessive Alport syndrome (ATS2). Also called: COL4A3-Related Nephropathy; COL4A4 Alport Syndrome and Thin Basement Membrane Nephropathy; ALPORT SYNDROME 2, AUTOSOMAL RECESSIVE; Alport syndrome type 2. Identifiers: Orphanet 63, Orphanet 88919, MedGen C4746745, MONDO:0008762, OMIM 203780.

Submission:

Myriad Genetics, Inc.
Classification: Likely pathogenic for Autosomal recessive Alport syndrome. Last evaluated: 2022-03-11. Review status: criteria provided, single submitter. Criteria: Myriad Women's Health Autosomal Recessive and X-Linked Classification Criteria (2021). Collection method: clinical testing. Allele origin: unknown.
Comment: NM_000091.4(COL4A3):c.2444dupG(A816Sfs*19) is expected to be pathogenic in the context of COL4A3-related Alport syndrome. This variant is predicted to lead to an abnormal or absent protein product due to the creation of a premature termination codon in COL4A3, a gene where loss-of-function variants are known to be pathogenic. Please note: this variant was assessed in the context of healthy population screening.